The following is an entry in ClinVar:

ClinVar aggregate classification (germline): Uncertain significance. Review status: criteria provided, multiple submitters, no conflicts (2 of 4 stars). 2 submissions from 2 submitters: Uncertain significance (2). Last evaluated 2025-02-08.

Conditions:
Charcot-Marie-Tooth disease type 2R. Also called: CHARCOT-MARIE-TOOTH DISEASE, AXONAL, AUTOSOMAL RECESSIVE, TYPE 2R; Charcot-Marie-Tooth disease, axonal, type 2R; CHARCOT-MARIE-TOOTH NEUROPATHY, TYPE 2R. Identifiers: Orphanet 397968, MedGen C3809655, MONDO:0014208, OMIM 615490.

Allele frequency attached by ClinVar (database versions not stated): gnomAD exomes 0.00001.
gnomAD v4.1: 10 of 1,614,052 alleles (0.00062%); highest among the groups gnomAD compares: Non-Finnish European, 0.00085%; no homozygotes.

Submissions (2):

Ambry Genetics
Classification: Uncertain significance. Last evaluated: 2025-02-08. Review status: criteria provided, single submitter. Criteria: Ambry Variant Classification Scheme 2023. Collection method: clinical testing. Allele origin: germline.

Labcorp Genetics (formerly Invitae), Labcorp
Classification: Uncertain significance for Charcot-Marie-Tooth disease type 2R. Last evaluated: 2024-08-19. Review status: criteria provided, single submitter. Criteria: Invitae Variant Classification Sherloc (09022015). Collection method: clinical testing. Allele origin: germline.
Comment: This sequence change replaces leucine, which is neutral and non-polar, with valine, which is neutral and non-polar, at codon 222 of the TRIM2 protein (p.Leu222Val). This variant is not present in population databases (gnomAD no frequency). This variant has not been reported in the literature in individuals affected with TRIM2-related conditions. ClinVar contains an entry for this variant (Variation ID: 2083334). An algorithm developed to predict the effect of missense changes on protein structure and function (PolyPhen-2) suggests that this variant is likely to be disruptive. In summary, the available evidence is currently insufficient to determine the role of this variant in disease. Therefore, it has been classified as a Variant of Uncertain Significance.

NM_015271.5(TRIM2):c.745C>G (p.Leu249Val)

Gene: TRIM2 (tripartite motif containing 2; plus strand). Cytogenetic location: 4q31.3.
Variant type: single nucleotide variant.
Coding change: c.745C>G on transcript NM_015271.5 (MANE Select); coding-DNA position 745, C replaced by G.
Protein change: p.Leu249Val; replaces leucine 249 with valine.
Molecular consequence: missense variant. On other transcripts: intron variant (4).
Genome position (GRCh38, 1-based): chr4:153,294,444, C>G. VCF-style: chr4-153294444-C-G. GRCh37 (hg19) VCF-style: chr4-154215596-C-G.
Other names: c.745C>G (NM_015271.3); c.664C>G, p.Leu222Val (NM_001130067.2, NM_001351056.2, NM_001375512.1 and 5 more transcripts); c.718C>G, p.Leu240Val (NM_001351054.2); c.715C>G, p.Leu239Val (NM_001351055.2); c.289C>G, p.Leu97Val (NM_001351057.2); c.838C>G, p.Leu280Val (NM_001375488.1); c.835C>G, p.Leu279Val (NM_001375489.1); c.406C>G, p.Leu136Val (NM_001375522.1, NM_001375523.1, NM_001375525.1); and 4 more; short protein forms L240V, L222V, L249V, L280V, L239V, L97V, L136V, L279V.
Identifiers: ClinVar variation 2083334 (VCV002083334.5), dbSNP rs2546519199, ClinGen allele CA358472160.